The following is an entry in ClinVar:

ClinVar aggregate classification (germline): Conflicting classifications of pathogenicity. Review status: criteria provided, conflicting classifications (1 of 4 stars). 2 submissions from 2 submitters: Uncertain significance (1); Likely benign (1). Last evaluated 2025-05-13.

gnomAD v4.1: 6 of 1,611,372 alleles (0.00037%); no homozygotes.

Submissions (2):

Labcorp Genetics (formerly Invitae), Labcorp
Classification: Uncertain significance. Last evaluated: 2025-05-13. Review status: criteria provided, single submitter. Criteria: Invitae Variant Classification Sherloc (09022015). Collection method: clinical testing. Allele origin: germline.
Comment: This sequence change replaces serine, which is neutral and polar, with glycine, which is neutral and non-polar, at codon 592 of the LZTR1 protein (p.Ser592Gly). This variant is present in population databases (rs778533939, gnomAD 0.02%). This variant has not been reported in the literature in individuals affected with LZTR1-related conditions. Invitae Evidence Modeling of protein sequence and biophysical properties (such as structural, functional, and spatial information, amino acid conservation, physicochemical variation, residue mobility, and thermodynamic stability) indicates that this missense variant is not expected to disrupt LZTR1 protein function with a negative predictive value of 80%. In summary, the available evidence is currently insufficient to determine the role of this variant in disease. Therefore, it has been classified as a Variant of Uncertain Significance.

Blueprint Genetics
Classification: Likely benign. Last evaluated: 2019-09-02. Review status: criteria provided, single submitter. Criteria: ACMG Guidelines, 2015. Collection method: clinical testing. Allele origin: germline.

NM_006767.4(LZTR1):c.1774A>G (p.Ser592Gly)

Gene: LZTR1 (leucine zipper like post translational regulator 1; plus strand). Cytogenetic location: 22q11.21.
Variant type: single nucleotide variant.
Coding change: c.1774A>G on transcript NM_006767.4 (MANE Select); coding-DNA position 1774, A replaced by G.
Protein change: p.Ser592Gly; replaces serine 592 with glycine.
Molecular consequence: missense variant.
Genome position (GRCh38, 1-based): chr22:20,994,716, A>G. VCF-style: chr22-20994716-A-G. GRCh37 (hg19) VCF-style: chr22-21349005-A-G.
Other names: short protein forms S592G.
Identifiers: ClinVar variation 4755003 (VCV004755003.2).
Genomic context (GRCh38, chr22:20,994,716, plus strand): 5'-GCCTCCGTGGACCTGCAGAACGTGCTGGTTGTGTGCGAGAGTGCCGCCCGGCTGCAGCTG[A>G]GCCAACTCAAGGTGTGGGGTGGGGTCAGCGCAATCAGGGTTGGGTGGGGTGTGCTCAGGC-3'
Protein context (NP_006758.2, residues 582-602): VCESAARLQL[Ser592Gly]QLKEHCLNFV